The following is an entry in ClinVar:

NM_005562.3(LAMC2):c.1669del (p.Tyr557fs)

Gene: LAMC2 (laminin subunit gamma 2; plus strand). Cytogenetic location: 1q25.3.
Variant type: Deletion.
Coding change: c.1669del on transcript NM_005562.3 (MANE Select); coding-DNA position 1669, one base deleted (T; older notation c.1669delT).
Protein change: p.Tyr557fs; shifts the reading frame from tyrosine 557.
Molecular consequence: frameshift variant.
Genome position (GRCh38, 1-based): chr1:183,228,574, T deleted. VCF-style (leftmost placement, unchanged base first): chr1-183228573-CT-C. GRCh37 (hg19) VCF-style: chr1-183197708-CT-C.
Other names: c.1669del, p.Tyr557fs (NM_018891.3); short protein forms Y557fs.
Identifiers: ClinVar variation 5015946 (VCV005015946.1).

ClinVar aggregate classification (germline): Pathogenic (1 of 4 stars; one submission).

Conditions:
Junctional epidermolysis bullosa. Identifiers: Orphanet 305, MedGen C0079301, MONDO:0017612.

Submission:

Myriad Genetics, Inc.
Classification: Pathogenic for Junctional epidermolysis bullosa. Last evaluated: 2026-05-22. Review status: criteria provided, single submitter. Criteria: Myriad Autosomal Dominant, Autosomal Recessive and X-Linked Classification Criteria (2023). Collection method: clinical testing. Allele origin: unknown.
Comment: NM_005562.2(LAMC2):c.1669delT(Y557Tfs*27) is expected to be pathogenic in the context of junctional epidermolysis bullosa, LAMC2-related. This variant is predicted to lead to an abnormal or absent protein product due to the creation of a premature termination codon in LAMC2, a gene where loss-of-function variants are known to be pathogenic. Please note: this variant was assessed in the context of healthy population screening.